The following is an entry in ClinVar:

ClinVar aggregate classification (germline): Pathogenic. Review status: no assertion criteria provided (0 of 4 stars). 2 submissions from 2 submitters: Pathogenic (1). 1 of the submissions does not count toward it.

Conditions:
Seizures, benign familial neonatal, 1. Also called: Benign Neonatal Epilepsy 1; KCNQ2-Related Benign Familial Neonatal Epilepsy; KCNQ2-Related Self-Limited Familial Neonatal Epilepsy (SLFNE); Seizures, benign neonatal, 1. Identifiers: Orphanet 1949, MedGen C3149074, MONDO:0007365, OMIM 121200.
Seizure. Also called: Seizures. Identifiers: MedGen C0036572, HP:0001250.

Submissions (2):

Diagnostic Laboratory, Strasbourg University Hospital
Classification: Pathogenic for Seizure. Review status: no assertion criteria provided. Collection method: clinical testing. Allele origin: paternal. Affected: yes. Observed: 1 heterozygote.

GeneReviews
No classification provided. Condition: Seizures, benign familial neonatal, 1. Review status: no classification provided. Collection method: literature only. Allele origin: germline. Affected: yes. Not counted in ClinVar's aggregate classification.
Comment: BFNE (benign familial neonatal epilepsy)

Literature cited by the submitters: PubMed 11690625 (cited by GeneReviews); NCBI Bookshelf NBK32534 (cited by GeneReviews).

NM_172107.4(KCNQ2):c.1016T>G (p.Leu339Arg)

Gene: KCNQ2 (potassium voltage-gated channel subfamily Q member 2; minus strand). Cytogenetic location: 20q13.33.
Variant type: single nucleotide variant.
Coding change: c.1016T>G on transcript NM_172107.4 (MANE Select); coding-DNA position 1016, T replaced by G.
Protein change: p.Leu339Arg; replaces leucine 339 with arginine.
Molecular consequence: missense variant.
Genome position (GRCh38, 1-based): chr20:63,438,632, A>C on the plus strand (T>G on the coding strand, the complement: KCNQ2 is on the minus strand). VCF-style: chr20-63438632-A-C. GRCh37 (hg19) VCF-style: chr20-62069985-A-C.
Other names: c.1016T>G, p.Leu339Arg (NM_004518.6, NM_172106.3, NM_172108.5 and 1 more transcripts); short protein forms L339R.
Identifiers: ClinVar variation 21755 (VCV000021755.3), dbSNP rs118192217, ClinGen allele CA342458.